The following is an entry in ClinVar:

ClinVar aggregate classification (germline): Pathogenic. Review status: criteria provided, single submitter (1 of 4 stars). 2 submissions from 2 submitters: Pathogenic (1). 1 of the submissions does not count toward it. Last evaluated 2023-08-31.

Conditions:
Polycystic kidney disease 4 (PKD4). Also called: POLYCYSTIC KIDNEY AND HEPATIC DISEASE 1; POLYCYSTIC KIDNEY DISEASE, INFANTILE, TYPE I; POLYCYSTIC KIDNEY DISEASE 4 WITH OR WITHOUT POLYCYSTIC LIVER DISEASE; PKD3; Autosomal Recessive Polycystic Kidney Disease – PKHD1. Identifiers: MedGen C4540575, MONDO:0033004, OMIM 263200.
Autosomal recessive polycystic kidney disease (ARPKD). Also called: AR polycystic kidney disease. Identifiers: Orphanet 731, Orphanet 8378, MedGen C0085548, MeSH D017044, MONDO:0009889.

Submissions (2):

Labcorp Genetics (formerly Invitae), Labcorp
Classification: Pathogenic for Autosomal recessive polycystic kidney disease. Last evaluated: 2023-08-31. Review status: criteria provided, single submitter. Criteria: Invitae Variant Classification Sherloc (09022015). Collection method: clinical testing. Allele origin: germline.
Comment: For these reasons, this variant has been classified as Pathogenic. ClinVar contains an entry for this variant (Variation ID: 370767). This variant has not been reported in the literature in individuals affected with PKHD1-related conditions. This variant is not present in population databases (gnomAD no frequency). This sequence change creates a premature translational stop signal (p.Gly2566*) in the PKHD1 gene. It is expected to result in an absent or disrupted protein product. Loss-of-function variants in PKHD1 are known to be pathogenic (PMID: 19940839).

Counsyl
Classification: Likely pathogenic for Polycystic kidney disease 4. Last evaluated: 2016-04-14. Review status: no assertion criteria provided. Collection method: clinical testing. Allele origin: unknown. Not counted in ClinVar's aggregate classification.

Literature cited by the submitters: PubMed 19940839 (cited by Labcorp Genetics (formerly Invitae), Labcorp).

NM_138694.4(PKHD1):c.7696G>T (p.Gly2566Ter)

Gene: PKHD1 (PKHD1 ciliary IPT domain containing fibrocystin/polyductin; minus strand). Cytogenetic location: 6p12.2.
Variant type: single nucleotide variant.
Coding change: c.7696G>T on transcript NM_138694.4 (MANE Select); coding-DNA position 7696, G replaced by T.
Protein change: p.Gly2566Ter; replaces glycine 2566 with a stop codon.
Molecular consequence: nonsense.
Genome position (GRCh38, 1-based): chr6:51,867,900, C>A on the plus strand (G>T on the coding strand, the complement: PKHD1 is on the minus strand). VCF-style: chr6-51867900-C-A. GRCh37 (hg19) VCF-style: chr6-51732698-C-A.
Other names: c.7696G>T, p.Gly2566Ter (NM_170724.3); short protein forms G2566*.
Identifiers: ClinVar variation 370767 (VCV000370767.6), dbSNP rs1057516751, ClinGen allele CA16041041.